The following is an entry in ClinVar:

NM_001719.3(BMP7):c.348C>G (p.Pro116=)

Gene: BMP7 (bone morphogenetic protein 7; minus strand). Cytogenetic location: 20q13.31.
Variant type: single nucleotide variant.
Coding change: c.348C>G on transcript NM_001719.3 (MANE Select); coding-DNA position 348, C replaced by G.
Protein change: p.Pro116=; no amino-acid change (proline 116 retained).
Molecular consequence: synonymous variant.
Genome position (GRCh38, 1-based): chr20:57,265,775, G>C on the plus strand (C>G on the coding strand, the complement: BMP7 is on the minus strand). VCF-style: chr20-57265775-G-C. GRCh37 (hg19) VCF-style: chr20-55840831-G-C.
Identifiers: ClinVar variation 3355061 (VCV003355061.1).

ClinVar aggregate classification (germline): Likely benign (0 of 4 stars; one submission).

Conditions:
BMP7-related disorder. Also called: BMP7-related condition.

gnomAD v4.1: 19 of 1,610,628 alleles (0.0012%); highest among the groups gnomAD compares: African/African-American, 0.023%; no homozygotes.

Submission:

PreventionGenetics, part of Exact Sciences
Classification: Likely benign for BMP7-related condition. Last evaluated: 2024-08-02. Review status: no assertion criteria provided. Collection method: clinical testing. Allele origin: germline.
Comment: This variant is classified as likely benign based on ACMG/AMP sequence variant interpretation guidelines (Richards et al. 2015 PMID: 25741868, with internal and published modifications).